The following is an entry in ClinVar:

NM_006502.3(POLH):c.986C>T (p.Thr329Ile)

Gene: POLH (DNA polymerase eta; plus strand). Cytogenetic location: 6p21.1.
Variant type: single nucleotide variant.
Coding change: c.986C>T on transcript NM_006502.3 (MANE Select); coding-DNA position 986, C replaced by T.
Protein change: p.Thr329Ile; replaces threonine 329 with isoleucine.
Molecular consequence: missense variant.
Genome position (GRCh38, 1-based): chr6:43,604,716, C>T. VCF-style: chr6-43604716-C-T. GRCh37 (hg19) VCF-style: chr6-43572453-C-T.
Other names: c.614C>T, p.Thr205Ile (NM_001291969.2); c.986C>T, p.Thr329Ile (NM_001291970.2); short protein forms T329I, T205I.
Identifiers: ClinVar variation 356904 (VCV000356904.18), dbSNP rs35675573, ClinGen allele CA3827133.

ClinVar aggregate classification (germline): Benign/Likely benign. Review status: criteria provided, multiple submitters, no conflicts (2 of 4 stars). 5 submissions from 5 submitters: Benign (2); Likely benign (3). Last evaluated 2026-01-26.

Conditions:
Xeroderma pigmentosum variant type. Also called: PHOTOSENSITIVITY WITH DEFECTIVE DNA SYNTHESIS; XERODERMA PIGMENTOSUM WITH NORMAL DNA REPAIR RATES; POLH-Related Xeroderma Pigmentosum. Identifiers: Orphanet 90342, MedGen C1848410, MONDO:0010214, OMIM 278750.

Allele frequency attached by ClinVar (database versions not stated): gnomAD exomes 0.00056 and 0.00139; ExAC 0.00148; 1000 Genomes Project 0.00459; gnomAD 0.00494 and 0.00520; ESP Exome Variant Server 0.00546; 1000 Genomes Project 30x 0.00547; TOPMed 0.00582.
gnomAD v4.1: 1,608 of 1,614,090 alleles (0.1%); highest among the groups gnomAD compares: African/African-American, 1.7%; 10 homozygotes.

Submissions (5):

Labcorp Genetics (formerly Invitae), Labcorp
Classification: Benign. Last evaluated: 2026-01-26. Review status: criteria provided, single submitter. Criteria: Invitae Variant Classification Sherloc (09022015). Collection method: clinical testing. Allele origin: germline.

Blueprint Genetics
Classification: Likely benign. Last evaluated: 2024-11-12. Review status: criteria provided, single submitter. Criteria: ACMG Guidelines, 2015. Collection method: clinical testing. Allele origin: germline.

GeneDx
Classification: Likely benign. Last evaluated: 2018-07-05. Review status: criteria provided, single submitter. Criteria: GeneDx Variant Classification Process June 2021. Collection method: clinical testing. Allele origin: germline. Affected: yes.

Illumina Laboratory Services, Illumina
Classification: Benign for Xeroderma pigmentosum variant type. Last evaluated: 2018-01-13. Review status: criteria provided, single submitter. Criteria: ICSL Variant Classification Criteria 13 December 2019. Collection method: clinical testing. Allele origin: germline.
Comment: This variant was observed in the ICSL laboratory as part of a predisposition screen in an ostensibly healthy population. It had not been previously curated by ICSL or reported in the Human Gene Mutation Database (HGMD: prior to June 1st, 2018), and was therefore a candidate for classification through an automated scoring system. Utilizing variant allele frequency, disease prevalence and penetrance estimates, and inheritance mode, an automated score was calculated to assess if this variant is too frequent to cause the disease. Based on the score and internal cut-off values, a variant classified as benign is not then subjected to further curation. The score for this variant resulted in a classification of benign for this disease.

Breakthrough Genomics
Classification: Likely benign. Review status: criteria provided, single submitter. Criteria: ACMG Guidelines, 2015. Collection method: not provided. Allele origin: germline. Inheritance: Autosomal recessive inheritance. Affected: yes.